The following is an entry in ClinVar:

ClinVar aggregate classification (germline): Uncertain significance (1 of 4 stars; one submission).

Conditions:
Fanconi anemia complementation group O. Also called: RAD51C-Related Fanconi Anemia. Identifiers: Orphanet 84, MedGen C3150653, MONDO:0013248, OMIM 613390.

Submission:

Labcorp Genetics (formerly Invitae), Labcorp
Classification: Uncertain significance for Fanconi anemia complementation group O. Last evaluated: 2021-08-27. Review status: criteria provided, single submitter. Criteria: Invitae Variant Classification Sherloc (09022015). Collection method: clinical testing. Allele origin: germline.
Comment: In summary, the available evidence is currently insufficient to determine the role of this variant in disease. Therefore, it has been classified as a Variant of Uncertain Significance. This sequence change replaces phenylalanine with leucine at codon 103 of the RAD51C protein (p.Phe103Leu). The phenylalanine residue is highly conserved and there is a small physicochemical difference between phenylalanine and leucine. This variant is not present in population databases (ExAC no frequency). This variant has not been reported in the literature in individuals affected with RAD51C-related conditions. Algorithms developed to predict the effect of missense changes on protein structure and function are either unavailable or do not agree on the potential impact of this missense change (SIFT: "Tolerated"; PolyPhen-2: "Possibly Damaging"; Align-GVGD: "Class C0").

NM_058216.3(RAD51C):c.307T>C (p.Phe103Leu)

Gene: RAD51C (RAD51 paralog C; plus strand). Cytogenetic location: 17q22.
Variant type: single nucleotide variant.
Coding change: c.307T>C on transcript NM_058216.3 (MANE Select); coding-DNA position 307, T replaced by C.
Protein change: p.Phe103Leu; replaces phenylalanine 103 with leucine.
Molecular consequence: missense variant. On other transcripts: non-coding transcript variant (2).
Genome position (GRCh38, 1-based): chr17:58,695,092, T>C. VCF-style: chr17-58695092-T-C. GRCh37 (hg19) VCF-style: chr17-56772453-T-C.
Other names: c.307T>C, p.Phe103Leu (NM_002876.4); short protein forms F103L.
Identifiers: ClinVar variation 1377931 (VCV001377931.6), dbSNP rs1114167446, ClinGen allele CA400341074.